The following is an entry in ClinVar:

NM_000465.4(BARD1):c.449G>A (p.Arg150Gln)

Gene: BARD1 (BRCA1 associated RING domain 1; minus strand). Cytogenetic location: 2q35.
Variant type: single nucleotide variant.
Coding change: c.449G>A on transcript NM_000465.4 (MANE Select); coding-DNA position 449, G replaced by A.
Protein change: p.Arg150Gln; replaces arginine 150 with glutamine.
Molecular consequence: missense variant. On other transcripts: non-coding transcript variant (2), intron variant (3).
Genome position (GRCh38, 1-based): chr2:214,781,425, C>T on the plus strand (G>A on the coding strand, the complement: BARD1 is on the minus strand). VCF-style: chr2-214781425-C-T. GRCh37 (hg19) VCF-style: chr2-215646149-C-T.
Other names: p.R150Q:CGA>CAA; c.392G>A, p.Arg131Gln (NM_001282543.2); c.158+27987G>A (NM_001282548.2); c.215+15636G>A (NM_001282545.2); c.364+10872G>A (NM_001282549.2); short protein forms R150Q, R131Q.
Identifiers: ClinVar variation 182037 (VCV000182037.27), dbSNP rs730881412, ClinGen allele CA298446.
Genomic context (GRCh38, chr2:214,781,425, plus strand): 5'-TTTATTGCAGGCTGGGTTTGCACTGAAGCTTTACTCACAACATATCTGACTTTCTTACTT[C>T]GAGGGCTAAACCACATTTTAATTGAATTCTTCTTGTTTCCTGCATCATTAAACAAACTTT-3'
Protein context (NP_000456.2, residues 140-160): KNSIKMWFSP[Arg150Gln]SKKVRYVVSK

ClinVar aggregate classification (germline): Uncertain significance. Review status: criteria provided, multiple submitters, no conflicts (2 of 4 stars). 7 submissions from 7 submitters: Uncertain significance (7). Last evaluated 2025-11-17.

Conditions:
Hereditary cancer-predisposing syndrome. Also called: Tumor predisposition; Hereditary Cancer Syndrome; Hereditary neoplastic syndrome; Neoplastic Syndromes, Hereditary. Identifiers: Orphanet 140162, MedGen C0027672, MeSH D009386, MONDO:0015356.
Familial cancer of breast. Also called: BREAST CANCER, FAMILIAL; Hereditary breast cancer; hereditary breast carcinoma. Identifiers: Orphanet 227535, MedGen C0346153, MONDO:0016419, OMIM 114480. Disease mechanism: loss of function.

Allele frequency attached by ClinVar (database versions not stated): TOPMed below 0.00001; gnomAD 0.00001; ExAC 0.00002; gnomAD exomes 0.00002.
gnomAD v4.1: 18 of 1,613,346 alleles (0.0011%); highest among the groups gnomAD compares: South Asian, 0.0088%; no homozygotes.

Submissions (7):

Labcorp Genetics (formerly Invitae), Labcorp
Classification: Uncertain significance for Familial cancer of breast. Last evaluated: 2025-11-17. Review status: criteria provided, single submitter. Criteria: Invitae Variant Classification Sherloc (09022015). Collection method: clinical testing. Allele origin: germline.
Comment: This sequence change replaces arginine, which is basic and polar, with glutamine, which is neutral and polar, at codon 150 of the BARD1 protein (p.Arg150Gln). This variant is present in population databases (rs730881412, gnomAD 0.01%). This variant has not been reported in the literature in individuals affected with BARD1-related conditions. ClinVar contains an entry for this variant (Variation ID: 182037). An algorithm developed to predict the effect of missense changes on protein structure and function (PolyPhen-2) suggests that this variant is likely to be disruptive. In summary, the available evidence is currently insufficient to determine the role of this variant in disease. Therefore, it has been classified as a Variant of Uncertain Significance.

Ambry Genetics
Classification: Uncertain significance for Hereditary cancer-predisposing syndrome. Last evaluated: 2025-07-18. Review status: criteria provided, single submitter. Criteria: Ambry Variant Classification Scheme 2023. Collection method: clinical testing. Allele origin: germline.
Comment: The p.R150Q variant (also known as c.449G>A), located in coding exon 4 of the BARD1 gene, results from a G to A substitution at nucleotide position 449. The arginine at codon 150 is replaced by glutamine, an amino acid with highly similar properties. This amino acid position is highly conserved in available vertebrate species. In addition, the in silico prediction for this alteration is inconclusive. Since supporting evidence is limited at this time, the clinical significance of this alteration remains unclear.

Color Diagnostics, LLC DBA Color Health
Classification: Uncertain significance for Hereditary cancer-predisposing syndrome. Last evaluated: 2024-10-15. Review status: criteria provided, single submitter. Criteria: ACMG Guidelines, 2015. Collection method: clinical testing. Allele origin: germline.
Comment: This missense variant replaces arginine with glutamine at codon 150 of the BARD1 protein. Computational prediction suggests that this variant may not impact protein structure and function. To our knowledge, functional studies have not been performed for this variant. In a large breast cancer case-control meta analysis, this variant was identified in 1/60465 cases and was absent from the unaffected control cohort (PMID: 33471991; Leiden Open Variation Database DB-ID BARD1_000439). This variant has been identified in 6/250782 chromosomes in the general population by the Genome Aggregation Database (gnomAD). The available evidence is insufficient to determine the role of this variant in disease conclusively. Therefore, this variant is classified as a Variant of Uncertain Significance.

Fulgent Genetics
Classification: Uncertain significance for Familial cancer of breast. Last evaluated: 2024-02-02. Review status: criteria provided, single submitter. Criteria: ACMG Guidelines, 2015. Collection method: clinical testing. Allele origin: germline.

Baylor Genetics
Classification: Uncertain significance for Familial cancer of breast. Last evaluated: 2023-08-06. Review status: criteria provided, single submitter. Criteria: ACMG Guidelines, 2015. Collection method: clinical testing. Allele origin: unknown.

Women's Health and Genetics/Laboratory Corporation of America, LabCorp
Classification: Uncertain significance. Last evaluated: 2023-03-13. Review status: criteria provided, single submitter. Criteria: LabCorp Variant Classification Summary - May 2015. Collection method: clinical testing. Allele origin: germline.
Comment: Variant summary: BARD1 c.449G>A (p.Arg150Gln) results in a conservative amino acid change in the encoded protein sequence. Four of five in-silico tools predict a damaging effect of the variant on protein function. The variant allele was found at a frequency of 2.4e-05 in 250782 control chromosomes. The available data on variant occurrences in the general population are insufficient to allow any conclusion about variant significance. To our knowledge, no occurrence of c.449G>A in individuals affected with Breast Cancer and no experimental evidence demonstrating its impact on protein function have been reported. Four clinical diagnostic laboratories have submitted clinical-significance assessments for this variant to ClinVar after 2014 without evidence for independent evaluation. All laboratories classified the variant as uncertain significance. Based on the evidence outlined above, the variant was classified as uncertain significance.

GeneDx
Classification: Uncertain significance. Last evaluated: 2021-12-22. Review status: criteria provided, single submitter. Criteria: GeneDx Variant Classification Process June 2021. Collection method: clinical testing. Allele origin: germline. Affected: yes.
Comment: In silico analysis supports that this missense variant does not alter protein structure/function; Has not been previously published as pathogenic or benign to our knowledge

Literature cited by the submitters: PubMed 33471991 (cited by Color Diagnostics, LLC DBA Color Health).